The following is an entry in ClinVar:

ClinVar aggregate classification (germline): Uncertain significance (1 of 4 stars; one submission).

Allele frequency attached by ClinVar (database versions not stated): ExAC 0.00001; gnomAD exomes 0.00001; TOPMed 0.00001.
gnomAD v4.1: 3 of 1,613,408 alleles (0.00019%); highest among the groups gnomAD compares: Admixed American, 0.0033%; no homozygotes.

Submission:

Labcorp Genetics (formerly Invitae), Labcorp
Classification: Uncertain significance. Last evaluated: 2024-01-25. Review status: criteria provided, single submitter. Criteria: Invitae Variant Classification Sherloc (09022015). Collection method: clinical testing. Allele origin: germline.
Comment: This sequence change replaces asparagine, which is neutral and polar, with serine, which is neutral and polar, at codon 91 of the EIF2AK2 protein (p.Asn91Ser). This variant is present in population databases (rs764591808, gnomAD 0.003%). This variant has not been reported in the literature in individuals affected with EIF2AK2-related conditions. Algorithms developed to predict the effect of missense changes on protein structure and function output the following: SIFT: "Not Available"; PolyPhen-2: "Benign"; Align-GVGD: "Not Available". The serine amino acid residue is found in multiple mammalian species, which suggests that this missense change does not adversely affect protein function. In summary, the available evidence is currently insufficient to determine the role of this variant in disease. Therefore, it has been classified as a Variant of Uncertain Significance.

NM_001135651.3(EIF2AK2):c.272A>G (p.Asn91Ser)

Gene: EIF2AK2 (eukaryotic translation initiation factor 2 alpha kinase 2; minus strand). Cytogenetic location: 2p22.2.
Variant type: single nucleotide variant.
Coding change: c.272A>G on transcript NM_001135651.3 (MANE Select); coding-DNA position 272, A replaced by G.
Protein change: p.Asn91Ser; replaces asparagine 91 with serine.
Molecular consequence: missense variant.
Genome position (GRCh38, 1-based): chr2:37,141,670, T>C on the plus strand (A>G on the coding strand, the complement: EIF2AK2 is on the minus strand). VCF-style: chr2-37141670-T-C. GRCh37 (hg19) VCF-style: chr2-37368813-T-C.
Other names: c.272A>G, p.Asn91Ser (NM_001135652.3, NM_002759.4); short protein forms N91S.
Identifiers: ClinVar variation 2890713 (VCV002890713.3), dbSNP rs764591808, ClinGen allele CA1615369.